The following is an entry in ClinVar:

ClinVar aggregate classification (germline): Pathogenic (1 of 4 stars; one submission).

Conditions:
Marfan syndrome (MFS). Also called: Marfan syndrome, classic; Marfan syndrome type 1; Marfan's syndrome; MARFAN SYNDROME, TYPE I; FBN1-Related Marfan Syndrome. Identifiers: Orphanet 284963, Orphanet 558, MedGen C0024796, MONDO:0007947, OMIM 154700.
Familial thoracic aortic aneurysm and aortic dissection (TAAD). Also called: Thoracic aortic aneurysms and dissections. Identifiers: Orphanet 91387, MedGen C4707243, MONDO:0019625.

Submission:

Labcorp Genetics (formerly Invitae), Labcorp
Classification: Pathogenic for Marfan syndrome; Familial thoracic aortic aneurysm and aortic dissection. Last evaluated: 2025-03-25. Review status: criteria provided, single submitter. Criteria: Invitae Variant Classification Sherloc (09022015). Collection method: clinical testing. Allele origin: germline.
Comment: This sequence change falls in intron 64 of the FBN1 gene. It does not directly change the encoded amino acid sequence of the FBN1 protein. RNA analysis indicates that this variant induces altered splicing and may result in an absent or altered protein product. This variant is not present in population databases (gnomAD no frequency). This variant has been observed in individual(s) with FBN1-related conditions (PMID: 18795226; internal data). This variant is also known as IVS63+373G>T. ClinVar contains an entry for this variant (Variation ID: 406327). Studies have shown that this variant results in inclusion of intronic sequence , and produces a non-functional protein and/or introduces a premature termination codon (PMID: 18795226). For these reasons, this variant has been classified as Pathogenic.

Literature cited by the submitters: PubMed 18795226.

NM_000138.5(FBN1):c.8051+375G>T

Gene: FBN1 (fibrillin 1; minus strand). Cytogenetic location: 15q21.1.
Variant type: single nucleotide variant.
Coding change: c.8051+375G>T on transcript NM_000138.5 (MANE Select); 375 bases into the intron after coding-DNA position 8051, G replaced by T.
Molecular consequence: intron variant.
Genome position (GRCh38, 1-based): chr15:48,415,161, C>A on the plus strand (G>T on the coding strand, the complement: FBN1 is on the minus strand). VCF-style: chr15-48415161-C-A. GRCh37 (hg19) VCF-style: chr15-48707358-C-A.
Identifiers: ClinVar variation 406327 (VCV000406327.6), dbSNP rs1060501062, ClinGen allele CA16614382.